The following is an entry in ClinVar:

ClinVar aggregate classification (germline): Uncertain significance (1 of 4 stars; one submission).

gnomAD v4.1: 1 of 1,613,110 alleles (0.000062%); highest among the groups gnomAD compares: South Asian, 0.0011%; no homozygotes.

Submission:

Labcorp Genetics (formerly Invitae), Labcorp
Classification: Uncertain significance. Last evaluated: 2024-08-13. Review status: criteria provided, single submitter. Criteria: Invitae Variant Classification Sherloc (09022015). Collection method: clinical testing. Allele origin: germline.
Comment: This sequence change replaces histidine, which is basic and polar, with arginine, which is basic and polar, at codon 488 of the DNAJC21 protein (p.His488Arg). This variant is present in population databases (rs750856412, gnomAD 0.003%). This variant has not been reported in the literature in individuals affected with DNAJC21-related conditions. An algorithm developed to predict the effect of missense changes on protein structure and function (PolyPhen-2) suggests that this variant¬†is likely to be tolerated. In summary, the available evidence is currently insufficient to determine the role of this variant in disease. Therefore, it has been classified as a Variant of Uncertain Significance.

NM_001012339.3(DNAJC21):c.1463A>G (p.His488Arg)

Gene: DNAJC21 (DnaJ heat shock protein family (Hsp40) member C21; plus strand). Cytogenetic location: 5p13.2.
Variant type: single nucleotide variant.
Coding change: c.1463A>G on transcript NM_001012339.3 (MANE Select); coding-DNA position 1463, A replaced by G.
Protein change: p.His488Arg; replaces histidine 488 with arginine.
Molecular consequence: missense variant.
Genome position (GRCh38, 1-based): chr5:34,954,581, A>G. VCF-style: chr5-34954581-A-G. GRCh37 (hg19) VCF-style: chr5-34954686-A-G.
Other names: c.1502A>G, p.His501Arg (NM_001348420.2); c.1598A>G, p.His533Arg (NM_194283.4); short protein forms H501R, H488R, H533R.
Identifiers: ClinVar variation 3698113 (VCV003698113.1).
Genomic context (GRCh38, chr5:34,954,581, plus strand): 5'-TACTTTTATTTATGATTTTTTGCCCTTCTCAGAGTGTTCTTATCAGCTGTACAACCTGCC[A>G]TAGTGAATTTCCATCTCGGAATAAACTTTTTGACCATCTAAAGGCCACAGGTCATGCAAG-3'
Protein context (NP_001012339.2, residues 478-498): MSVLISCTTC[His488Arg]SEFPSRNKLF